The following is an entry in ClinVar:

NM_000059.4(BRCA2):c.7411A>G (p.Thr2471Ala)

Gene: BRCA2 (BRCA2 DNA repair associated; plus strand). Cytogenetic location: 13q13.1.
Variant type: single nucleotide variant.
Coding change: c.7411A>G on transcript NM_000059.4 (MANE Select); coding-DNA position 7411, A replaced by G.
Protein change: p.Thr2471Ala; replaces threonine 2471 with alanine.
Molecular consequence: missense variant.
Genome position (GRCh38, 1-based): chr13:32,355,264, A>G. VCF-style: chr13-32355264-A-G. GRCh37 (hg19) VCF-style: chr13-32929401-A-G.
Other names: short protein forms T2471A.
Identifiers: ClinVar variation 186341 (VCV000186341.22), dbSNP rs771087264, ClinGen allele CA025061.
Genomic context (GRCh38, chr13:32,355,264, plus strand): 5'-GACAATGAGATTCATCAGTTTAACAAAAACAACTCCAATCAAGCAGTAGCTGTAACTTTC[A>G]CAAAGTGTGAAGAAGAACCTTTAGGTATTGTATGACAATTTGTGTGATGAATTTTTGCCT-3'
Protein context (NP_000050.3, residues 2461-2481): NSNQAVAVTF[Thr2471Ala]KCEEEPLDLI

ClinVar aggregate classification (germline): Conflicting classifications of pathogenicity. Review status: criteria provided, conflicting classifications (1 of 4 stars). 5 submissions from 5 submitters: Uncertain significance (3); Likely benign (2). Last evaluated 2025-09-10.

Conditions:
Hereditary cancer-predisposing syndrome. Also called: Hereditary Cancer Syndrome; Neoplastic Syndromes, Hereditary; Tumor predisposition; Hereditary neoplastic syndrome. Identifiers: Orphanet 140162, MedGen C0027672, MeSH D009386, MONDO:0015356.
Hereditary breast ovarian cancer syndrome. Also called: Hereditary breast and ovarian cancer; Hereditary breast and ovarian cancer syndrome; Breast and ovarian cancer; Hereditary breast and ovarian cancer syndrome (HBOC); Hereditary breast and/or ovarian cancer syndrome; BRCA1- and BRCA2-Associated Hereditary Breast and Ovarian Cancer. Identifiers: Orphanet 145, MedGen C0677776, MeSH D061325, MONDO:0003582. Disease mechanism: loss of function.
Breast-ovarian cancer, familial, susceptibility to, 2 (BROVCA2). Also called: BRCA2 Hereditary Breast and Ovarian Cancer. Identifiers: Orphanet 145, MedGen C2675520, MONDO:0012933, OMIM 612555. Disease mechanism: loss of function.

Allele frequency attached by ClinVar (database versions not stated): ExAC 0.00001; gnomAD exomes 0.00001.
gnomAD v4.1: 4 of 1,613,782 alleles (0.00025%); highest among the groups gnomAD compares: East Asian, 0.0089%; no homozygotes.

Submissions (5):

Ambry Genetics
Classification: Likely benign for Hereditary cancer-predisposing syndrome. Last evaluated: 2025-09-10. Review status: criteria provided, single submitter. Criteria: Ambry Variant Classification Scheme 2023. Collection method: clinical testing. Allele origin: germline.

Myriad Genetics, Inc.
Classification: Likely benign for Breast-ovarian cancer, familial, susceptibility to, 2. Last evaluated: 2024-06-20. Review status: criteria provided, single submitter. Criteria: Myriad Autosomal Dominant, Autosomal Recessive and X-Linked Classification Criteria (2023). Collection method: clinical testing. Allele origin: unknown.
Comment: This variant is considered likely benign. This variant is strongly associated with less severe personal and family histories of cancer, typical for individuals without pathogenic variants in this gene [PMID: 25085752].

Women's Health and Genetics/Laboratory Corporation of America, LabCorp
Classification: Uncertain significance. Last evaluated: 2024-01-02. Review status: criteria provided, single submitter. Criteria: LabCorp Variant Classification Summary - May 2015. Collection method: clinical testing. Allele origin: germline.
Comment: Variant summary: BRCA2 c.7411A>G (p.Thr2471Ala) results in a non-conservative amino acid change in the encoded protein sequence. Four of five in-silico tools predict a benign effect of the variant on protein function. The variant allele was found at a frequency of 2.2e-05 in 277658 control chromosomes (genomAD and publication data). The available data on variant occurrences in the general population are insufficient to allow any conclusion about variant significance. c.7411A>G has been reported in the literature in individuals affected with Hereditary Breast And Ovarian Cancer Syndrome or prostate cancer (Kim_2020, Park_2020, Park_2021, So_2022). These reports do not provide unequivocal conclusions about association of the variant with Hereditary Breast And Ovarian Cancer Syndrome. To our knowledge, no experimental evidence demonstrating an impact on protein function has been reported. The following publications have been ascertained in the context of this evaluation (PMID: 31837001, 31907386, 33875706, 30287823, 34063308, 32812259, 35534218). Three submitters have cited clinical-significance assessments for this variant to ClinVar after 2014. All submitters classified the variant as uncertain significance. Based on the evidence outlined above, the variant was classified as uncertain significance.

Labcorp Genetics (formerly Invitae), Labcorp
Classification: Uncertain significance for Hereditary breast ovarian cancer syndrome. Last evaluated: 2023-12-19. Review status: criteria provided, single submitter. Criteria: Invitae Variant Classification Sherloc (09022015). Collection method: clinical testing. Allele origin: germline.
Comment: This sequence change replaces threonine, which is neutral and polar, with alanine, which is neutral and non-polar, at codon 2471 of the BRCA2 protein (p.Thr2471Ala). This variant is present in population databases (rs771087264, gnomAD 0.01%). This missense change has been observed in individual(s) with BRCA2-related conditions (PMID: 31907386, 35534218). ClinVar contains an entry for this variant (Variation ID: 186341). Advanced modeling of protein sequence and biophysical properties (such as structural, functional, and spatial information, amino acid conservation, physicochemical variation, residue mobility, and thermodynamic stability) performed at Invitae indicates that this missense variant is not expected to disrupt BRCA2 protein function with a negative predictive value of 95%. In summary, the available evidence is currently insufficient to determine the role of this variant in disease. Therefore, it has been classified as a Variant of Uncertain Significance.

Color Diagnostics, LLC DBA Color Health
Classification: Uncertain significance for Hereditary cancer-predisposing syndrome. Last evaluated: 2021-01-06. Review status: criteria provided, single submitter. Criteria: ACMG Guidelines, 2015. Collection method: clinical testing. Allele origin: germline.
Comment: This missense variant replaces threonine with alanine at codon 2471 of the BRCA2 protein. Computational prediction suggests that this variant may not impact protein structure and function (internally defined REVEL score threshold <= 0.5, PMID: 27666373). To our knowledge, functional studies have not been reported for this variant. This variant has not been reported in individuals affected with hereditary cancer in the literature. This variant has been identified in 2/251000 chromosomes in the general population by the Genome Aggregation Database (gnomAD). The available evidence is insufficient to determine the role of this variant in disease conclusively. Therefore, this variant is classified as a Variant of Uncertain Significance.

Literature cited by the submitters: PubMed 30287823 (cited by Ambry Genetics and Women's Health and Genetics/Laboratory Corporation of America, LabCorp); PubMed 25085752 (cited by Myriad Genetics, Inc.); PubMed 32812259 (cited by Women's Health and Genetics/Laboratory Corporation of America, LabCorp); PubMed 31837001 (cited by Women's Health and Genetics/Laboratory Corporation of America, LabCorp); PubMed 34063308 (cited by Women's Health and Genetics/Laboratory Corporation of America, LabCorp); PubMed 33875706 (cited by Women's Health and Genetics/Laboratory Corporation of America, LabCorp); PubMed 31907386 (cited by Women's Health and Genetics/Laboratory Corporation of America, LabCorp and Labcorp Genetics (formerly Invitae), Labcorp); PubMed 35534218 (cited by Women's Health and Genetics/Laboratory Corporation of America, LabCorp and Labcorp Genetics (formerly Invitae), Labcorp).